The following is an entry in ClinVar:

ClinVar aggregate classification (germline): Uncertain significance. Review status: criteria provided, multiple submitters, no conflicts (2 of 4 stars). 3 submissions from 3 submitters: Uncertain significance (3). Last evaluated 2024-03-25.

Conditions:
Inborn genetic diseases. Identifiers: MedGen C0950123, MeSH D030342.

Allele frequency attached by ClinVar (database versions not stated): TOPMed 0.00002.
gnomAD v4.1: 26 of 1,613,534 alleles (0.0016%); highest among the groups gnomAD compares: African/African-American, 0.0067%; no homozygotes.

Submissions (3):

Ambry Genetics
Classification: Uncertain significance for Inborn genetic diseases. Last evaluated: 2024-03-25. Review status: criteria provided, single submitter. Criteria: Ambry Variant Classification Scheme 2023. Collection method: clinical testing. Allele origin: germline.

Blueprint Genetics
Classification: Uncertain significance. Last evaluated: 2024-02-27. Review status: criteria provided, single submitter. Criteria: ACMG Guidelines, 2015. Collection method: clinical testing. Allele origin: germline.

Labcorp Genetics (formerly Invitae), Labcorp
Classification: Uncertain significance. Last evaluated: 2022-08-15. Review status: criteria provided, single submitter. Criteria: Invitae Variant Classification Sherloc (09022015). Collection method: clinical testing. Allele origin: germline.
Comment: In summary, the available evidence is currently insufficient to determine the role of this variant in disease. Therefore, it has been classified as a Variant of Uncertain Significance. Algorithms developed to predict the effect of missense changes on protein structure and function are either unavailable or do not agree on the potential impact of this missense change (SIFT: "Deleterious"; PolyPhen-2: "Probably Damaging"; Align-GVGD: "Class C0"). ClinVar contains an entry for this variant (Variation ID: 1463793). This variant has not been reported in the literature in individuals affected with C6-related conditions. This variant is present in population databases (rs371223066, gnomAD 0.004%). This sequence change replaces arginine, which is basic and polar, with histidine, which is basic and polar, at codon 150 of the C6 protein (p.Arg150His).

NM_000065.5(C6):c.449G>A (p.Arg150His)

Gene: C6 (complement C6; minus strand). Cytogenetic location: 5p13.1.
Variant type: single nucleotide variant.
Coding change: c.449G>A on transcript NM_000065.5 (MANE Select); coding-DNA position 449, G replaced by A.
Protein change: p.Arg150His; replaces arginine 150 with histidine.
Molecular consequence: missense variant.
Genome position (GRCh38, 1-based): chr5:41,195,930, C>T on the plus strand (G>A on the coding strand, the complement: C6 is on the minus strand). VCF-style: chr5-41195930-C-T. GRCh37 (hg19) VCF-style: chr5-41196032-C-T.
Other names: c.449G>A, p.Arg150His (NM_001115131.4); c.449G>A (NM_000065.2); short protein forms R150H.
Identifiers: ClinVar variation 1463793 (VCV001463793.6), dbSNP rs371223066, ClinGen allele CA3252775.